The following is an entry in ClinVar:

NM_152263.4(TPM3):c.243+136C>G

Gene: TPM3 (tropomyosin 3; minus strand). Cytogenetic location: 1q21.3.
Variant type: single nucleotide variant.
Coding change: c.243+136C>G on transcript NM_152263.4 (MANE Select); 136 bases into the intron after coding-DNA position 243, C replaced by G.
Molecular consequence: intron variant.
Genome position (GRCh38, 1-based): chr1:154,191,050, G>C on the plus strand (C>G on the coding strand, the complement: TPM3 is on the minus strand). VCF-style: chr1-154191050-G-C. GRCh37 (hg19) VCF-style: chr1-154163526-G-C.
Other names: c.243+136C>G (NM_001364679.2, NM_001364681.2, NM_001364680.2 and 1 more transcripts).
Identifiers: ClinVar variation 670799 (VCV000670799.2), dbSNP rs11802893, ClinGen allele CA10908020.

ClinVar aggregate classification (germline): Benign. Review status: criteria provided, multiple submitters, no conflicts (2 of 4 stars). 2 submissions from 2 submitters: Benign (2). Last evaluated 2018-06-19.

Allele frequency attached by ClinVar (database versions not stated): TOPMed 0.14071; gnomAD 0.14456 and 0.14682; 1000 Genomes Project 30x 0.19113; 1000 Genomes Project 0.19169.
gnomAD v4.1: 177,215 of 1,366,716 alleles (13%); highest among the groups gnomAD compares: East Asian, 38%; 13,574 homozygotes.

Submissions (2):

GeneDx
Classification: Benign. Last evaluated: 2018-06-19. Review status: criteria provided, single submitter. Criteria: GeneDx Variant Classification (06012015). Collection method: clinical testing. Allele origin: germline. Affected: yes.
Comment: This variant is considered likely benign or benign based on one or more of the following criteria: it is a conservative change, it occurs at a poorly conserved position in the protein, it is predicted to be benign by multiple in silico algorithms, and/or has population frequency not consistent with disease.

Breakthrough Genomics
Classification: Benign. Review status: criteria provided, single submitter. Criteria: ACMG Guidelines, 2015. Collection method: not provided. Allele origin: germline. Inheritance: Autosomal dominant inheritance. Affected: yes.